The following is an entry in ClinVar:

NM_022089.4(ATP13A2):c.821C>T (p.Ser274Leu)

Gene: ATP13A2 (ATPase cation transporting 13A2; minus strand). Cytogenetic location: 1p36.13.
Variant type: single nucleotide variant.
Coding change: c.821C>T on transcript NM_022089.4 (MANE Select); coding-DNA position 821, C replaced by T.
Protein change: p.Ser274Leu; replaces serine 274 with leucine.
Molecular consequence: missense variant.
Genome position (GRCh38, 1-based): chr1:17,000,419, G>A on the plus strand (C>T on the coding strand, the complement: ATP13A2 is on the minus strand). VCF-style: chr1-17000419-G-A. GRCh37 (hg19) VCF-style: chr1-17326914-G-A.
Other names: c.806C>T, p.Ser269Leu (NM_001141973.3, NM_001141974.3); short protein forms S269L, S274L.
Identifiers: ClinVar variation 1398937 (VCV001398937.4), dbSNP rs1213129765, ClinGen allele CA338257972.

ClinVar aggregate classification (germline): Uncertain significance (1 of 4 stars; one submission).

Conditions:
Kufor-Rakeb syndrome (KRS). Also called: PARKINSON DISEASE 9, AUTOSOMAL RECESSIVE, JUVENILE-ONSET. Identifiers: Orphanet 306674, Orphanet 314632, MedGen C1847640, MONDO:0011706, OMIM 606693.
Autosomal recessive spastic paraplegia type 78. Identifiers: Orphanet 513436, MedGen C5567893, MONDO:0014975, OMIM 617225.

Allele frequency attached by ClinVar (database versions not stated): gnomAD exomes below 0.00001 and 0.00001.
gnomAD v4.1: 9 of 1,613,766 alleles (0.00056%); highest among the groups gnomAD compares: South Asian, 0.0022%; no homozygotes.

Submission:

Labcorp Genetics (formerly Invitae), Labcorp
Classification: Uncertain significance for Kufor-Rakeb syndrome; Autosomal recessive spastic paraplegia type 78. Last evaluated: 2021-08-09. Review status: criteria provided, single submitter. Criteria: Invitae Variant Classification Sherloc (09022015). Collection method: clinical testing. Allele origin: germline.
Comment: This sequence change replaces serine with leucine at codon 274 of the ATP13A2 protein (p.Ser274Leu). The serine residue is highly conserved and there is a large physicochemical difference between serine and leucine. This variant is not present in population databases (ExAC no frequency). This variant has not been reported in the literature in individuals affected with ATP13A2-related conditions. Advanced modeling of protein sequence and biophysical properties (such as structural, functional, and spatial information, amino acid conservation, physicochemical variation, residue mobility, and thermodynamic stability) performed at Invitae indicates that this missense variant is not expected to disrupt ATP13A2 protein function. In summary, the available evidence is currently insufficient to determine the role of this variant in disease. Therefore, it has been classified as a Variant of Uncertain Significance.